The following is an entry in ClinVar:

NM_012193.4(FZD4):c.1074A>C (p.Lys358Asn)

Genes: FZD4 (frizzled class receptor 4; minus strand), PRSS23 (serine protease 23; plus strand). Cytogenetic location: 11q14.2.
Variant type: single nucleotide variant.
Coding change: c.1074A>C on transcript NM_012193.4 (MANE Select); coding-DNA position 1074, A replaced by C.
Protein change: p.Lys358Asn; replaces lysine 358 with asparagine.
Molecular consequence: missense variant. On other transcripts: non-coding transcript variant (2).
Genome position (GRCh38, 1-based): chr11:86,951,682, T>G on the plus strand (A>C on the coding strand, the complement: FZD4 is on the minus strand). VCF-style: chr11-86951682-T-G. GRCh37 (hg19) VCF-style: chr11-86662724-T-G.
Other names: short protein forms K358N.
Identifiers: ClinVar variation 2111144 (VCV002111144.4), dbSNP rs758288341, ClinGen allele CA382013289.
Genomic context (GRCh38, chr11:86,951,682, plus strand): 5'-ATAGCACAAGCCAGTCAGTTCATCTGCATCCACCAGTCTCATAATCAAGATGACAATGGT[T>G]TTCACTGCGGGGATGGCCCAGGCTGCAATGTGGAAATAAGAGCTGTGCATTTCAATGGCT-3'
Protein context (NP_036325.2, residues 348-368): HIAAWAIPAV[Lys358Asn]TIVILIMRLV

ClinVar aggregate classification (germline): Uncertain significance (1 of 4 stars; one submission).

Submission:

Labcorp Genetics (formerly Invitae), Labcorp
Classification: Uncertain significance. Last evaluated: 2022-05-17. Review status: criteria provided, single submitter. Criteria: Invitae Variant Classification Sherloc (09022015). Collection method: clinical testing. Allele origin: germline.
Comment: Algorithms developed to predict the effect of missense changes on protein structure and function are either unavailable or do not agree on the potential impact of this missense change (SIFT: "Deleterious"; PolyPhen-2: "Probably Damaging"; Align-GVGD: "Class C0"). This variant has not been reported in the literature in individuals affected with FZD4-related conditions. This variant is not present in population databases (gnomAD no frequency). This sequence change replaces lysine, which is basic and polar, with asparagine, which is neutral and polar, at codon 358 of the FZD4 protein (p.Lys358Asn). In summary, the available evidence is currently insufficient to determine the role of this variant in disease. Therefore, it has been classified as a Variant of Uncertain Significance.